The following is an entry in ClinVar:

NM_014867.3(KBTBD11):c.1779G>T (p.Ala593=)

Gene: KBTBD11 (kelch repeat and BTB domain containing 11; plus strand). Cytogenetic location: 8p23.3.
Variant type: single nucleotide variant.
Coding change: c.1779G>T on transcript NM_014867.3 (MANE Select); coding-DNA position 1779, G replaced by T.
Protein change: p.Ala593=; no amino-acid change (alanine 593 retained).
Molecular consequence: synonymous variant.
Genome position (GRCh38, 1-based): chr8:2,002,971, G>T. VCF-style: chr8-2002971-G-T. GRCh37 (hg19) VCF-style: chr8-1951137-G-T.
Identifiers: ClinVar variation 4874872 (VCV004874872.2).

ClinVar aggregate classification (germline): Likely benign (1 of 4 stars; one submission).

Submission:

CeGaT Center for Human Genetics Tuebingen
Classification: Likely benign. Last evaluated: 2026-05-01. Review status: criteria provided, single submitter. Criteria: CeGaT Center For Human Genetics Tuebingen Variant Classification Criteria Version 2. Collection method: clinical testing. Allele origin: germline. Affected: yes. Observed: 1 variant allele.
Comment: KBTBD11: BP4, BP7